The following is an entry in ClinVar:

ClinVar aggregate classification (germline): Uncertain significance (1 of 4 stars; one submission).

Conditions:
Hypercholesterolemia, autosomal dominant, 3 (FHCL3). Also called: Familial hypercholesterolemia 3; Familial Hypercholesterolemia, Autosomal Dominant, 3; PCSK9-Related Familial Hypercholesterolemia, Autosomal Dominant. Identifiers: MedGen C1863551, MONDO:0011369, OMIM 603776.

Submission:

Labcorp Genetics (formerly Invitae), Labcorp
Classification: Uncertain significance for Hypercholesterolemia, autosomal dominant, 3. Last evaluated: 2025-04-01. Review status: criteria provided, single submitter. Criteria: Invitae Variant Classification Sherloc (09022015). Collection method: clinical testing. Allele origin: germline.
Comment: This sequence change replaces proline, which is neutral and non-polar, with glutamine, which is neutral and polar, at codon 56 of the PCSK9 protein (p.Pro56Gln). Information on the frequency of this variant in the gnomAD database is not available, as this variant may be reported differently in the database. This variant has not been reported in the literature in individuals affected with PCSK9-related conditions. An algorithm developed to predict the effect of missense changes on protein structure and function (PolyPhen-2) suggests that this variant is likely to be tolerated. In summary, the available evidence is currently insufficient to determine the role of this variant in disease. Therefore, it has been classified as a Variant of Uncertain Significance.

NM_174936.4(PCSK9):c.167_168delinsAA (p.Pro56Gln)

Gene: PCSK9 (proprotein convertase subtilisin/kexin type 9; plus strand). Cytogenetic location: 1p32.3.
Variant type: Indel.
Coding change: c.167_168delinsAA on transcript NM_174936.4 (MANE Select); coding-DNA positions 167 to 168, CC replaced by AA.
Protein change: p.Pro56Gln; replaces proline 56 with glutamine.
Molecular consequence: missense variant. On other transcripts: 5 prime UTR variant (1), non-coding transcript variant (8).
Genome position (GRCh38, 1-based): chr1:55,040,004-55,040,005, CC replaced by AA. VCF-style: chr1-55040004-CC-AA. GRCh37 (hg19) VCF-style: chr1-55505677-CC-AA.
Other names: c.167_168delinsAA, p.Pro56Gln (NM_001407240.1, NM_001407241.1, NM_001407242.1 and 4 more transcripts); c.-568_-567delinsAA (NM_001407246.1); short protein forms P56Q.
Identifiers: ClinVar variation 4693568 (VCV004693568.1).